The following is an entry in ClinVar:

NM_021927.3(GUF1):c.1953C>A (p.Asn651Lys)

Gene: GUF1 (GTP binding elongation factor GUF1; plus strand). Cytogenetic location: 4p12.
Variant type: single nucleotide variant.
Coding change: c.1953C>A on transcript NM_021927.3 (MANE Select); coding-DNA position 1953, C replaced by A.
Protein change: p.Asn651Lys; replaces asparagine 651 with lysine.
Molecular consequence: missense variant.
Genome position (GRCh38, 1-based): chr4:44,698,624, C>A. VCF-style: chr4-44698624-C-A. GRCh37 (hg19) VCF-style: chr4-44700641-C-A.
Other names: c.981C>A, p.Asn327Lys (NM_001345867.2, NM_001345869.2); c.1833C>A, p.Asn611Lys (NM_001345868.2); short protein forms N611K, N651K, N327K.
Identifiers: ClinVar variation 4268082 (VCV004268082.2).

ClinVar aggregate classification (germline): Uncertain significance. Review status: criteria provided, multiple submitters, no conflicts (2 of 4 stars). 2 submissions from 2 submitters: Uncertain significance (2). Last evaluated 2026-01-11.

gnomAD v4.1: 2 of 1,609,368 alleles (0.00012%); highest among the groups gnomAD compares: Non-Finnish European, 0.00017%; no homozygotes.

Submissions (2):

Labcorp Genetics (formerly Invitae), Labcorp
Classification: Uncertain significance. Last evaluated: 2026-01-11. Review status: criteria provided, single submitter. Criteria: Invitae Variant Classification Sherloc (09022015). Collection method: clinical testing. Allele origin: germline.
Comment: This sequence change replaces asparagine, which is neutral and polar, with lysine, which is basic and polar, at codon 651 of the GUF1 protein (p.Asn651Lys). This variant is not present in population databases (gnomAD no frequency). This variant has not been reported in the literature in individuals affected with GUF1-related conditions. ClinVar contains an entry for this variant (Variation ID: 4268082). An algorithm developed to predict the effect of missense changes on protein structure and function (PolyPhen-2) suggests that this variant is likely to be disruptive. In summary, the available evidence is currently insufficient to determine the role of this variant in disease. Therefore, it has been classified as a Variant of Uncertain Significance.

Ambry Genetics
Classification: Uncertain significance. Last evaluated: 2025-07-15. Review status: criteria provided, single submitter. Criteria: Ambry Variant Classification Scheme 2023. Collection method: clinical testing. Allele origin: germline.